The following is an entry in ClinVar:

ClinVar aggregate classification (germline): Uncertain significance. Review status: criteria provided, multiple submitters, no conflicts (2 of 4 stars). 2 submissions from 2 submitters: Uncertain significance (2). Last evaluated 2023-12-28.

Conditions:
Hereditary cancer-predisposing syndrome. Also called: Hereditary neoplastic syndrome; Tumor predisposition; Neoplastic Syndromes, Hereditary; Hereditary Cancer Syndrome. Identifiers: Orphanet 140162, MedGen C0027672, MeSH D009386, MONDO:0015356.

Submissions (2):

Labcorp Genetics (formerly Invitae), Labcorp
Classification: Uncertain significance. Last evaluated: 2023-12-28. Review status: criteria provided, single submitter. Criteria: Invitae Variant Classification Sherloc (09022015). Collection method: clinical testing. Allele origin: germline.
Comment: This sequence change replaces alanine, which is neutral and non-polar, with threonine, which is neutral and polar, at codon 170 of the NTHL1 protein (p.Ala170Thr). This variant is not present in population databases (gnomAD no frequency). This variant has not been reported in the literature in individuals affected with NTHL1-related conditions. ClinVar contains an entry for this variant (Variation ID: 1501941). Algorithms developed to predict the effect of missense changes on protein structure and function output the following: SIFT: "Not Available"; PolyPhen-2: "Benign"; Align-GVGD: "Not Available". The threonine amino acid residue is found in multiple mammalian species, which suggests that this missense change does not adversely affect protein function. In summary, the available evidence is currently insufficient to determine the role of this variant in disease. Therefore, it has been classified as a Variant of Uncertain Significance.

Ambry Genetics
Classification: Uncertain significance for Hereditary cancer-predisposing syndrome. Last evaluated: 2022-04-04. Review status: criteria provided, single submitter. Criteria: Ambry Variant Classification Scheme 2023. Collection method: clinical testing. Allele origin: germline.
Comment: The p.A170T variant (also known as c.508G>A), located in coding exon 3 of the NTHL1 gene, results from a G to A substitution at nucleotide position 508. The alanine at codon 170 is replaced by threonine, an amino acid with similar properties. This amino acid position is conserved. In addition, this alteration is predicted to be tolerated by in silico analysis. Since supporting evidence is limited at this time, the clinical significance of this alteration remains unclear.

NM_002528.7(NTHL1):c.484G>A (p.Ala162Thr)

Gene: NTHL1 (nth like DNA glycosylase 1; minus strand). Cytogenetic location: 16p13.3.
Variant type: single nucleotide variant.
Coding change: c.484G>A on transcript NM_002528.7 (MANE Select); coding-DNA position 484, G replaced by A.
Protein change: p.Ala162Thr; replaces alanine 162 with threonine.
Molecular consequence: missense variant. On other transcripts: intron variant (1).
Genome position (GRCh38, 1-based): chr16:2,044,671, C>T on the plus strand (G>A on the coding strand, the complement: NTHL1 is on the minus strand). VCF-style: chr16-2044671-C-T. GRCh37 (hg19) VCF-style: chr16-2094672-C-T.
Other names: c.154G>A, p.Ala52Thr (NM_001318194.2); c.355-945G>A (NM_001318193.2); short protein forms A162T, A52T.
Identifiers: ClinVar variation 1501941 (VCV001501941.10), dbSNP rs2150942251, ClinGen allele CA394294168.